The following is an entry in ClinVar:

NM_004444.5(EPHB4):c.10dup (p.Arg4fs)

Genes: EPHB4 (EPH receptor B4; minus strand), SLC12A9 (solute carrier family 12 member 9; plus strand). Cytogenetic location: 7q22.1.
Variant type: Duplication.
Coding change: c.10dup on transcript NM_004444.5 (MANE Select); coding-DNA position 10, one base duplicated (C; older notation c.10dupC).
Protein change: p.Arg4fs; shifts the reading frame from arginine 4.
Molecular consequence: frameshift variant. On other transcripts: 5 prime UTR variant (1).
Genome position (GRCh38, 1-based): chr7:100,827,021, G duplicated on the plus strand (C on the coding strand, the reverse complement: EPHB4 is on the minus strand); the first of 2 consecutive G bases (chr7:100,827,021-100,827,022); duplicating either gives the same sequence. VCF-style (leftmost placement, unchanged base first): chr7-100827020-C-CG. GRCh37 (hg19) VCF-style: chr7-100424642-C-CG.
Other names: c.-7dup (NM_001363494.1); short protein forms R4fs.
Identifiers: ClinVar variation 3600714 (VCV003600714.1).

ClinVar aggregate classification (germline): Pathogenic (1 of 4 stars; one submission).

Submission:

GeneDx
Classification: Pathogenic. Last evaluated: 2024-07-26. Review status: criteria provided, single submitter. Criteria: GeneDx Variant Classification Process June 2021. Collection method: clinical testing. Allele origin: germline. Affected: yes.
Comment: Frameshift variant predicted to result in protein truncation or nonsense mediated decay in a gene for which loss of function is a known mechanism of disease; Not observed at significant frequency in large population cohorts (gnomAD); Has not been previously published as pathogenic or benign to our knowledge